The following is an entry in ClinVar:

NM_080424.4(SP110):c.832A>G (p.Lys278Glu)

Genes: SP110 (SP110 nuclear body protein; minus strand), SP140 (SP140 nuclear body protein; plus strand). Cytogenetic location: 2q37.1.
Variant type: single nucleotide variant.
Coding change: c.832A>G on transcript NM_080424.4 (MANE Select); coding-DNA position 832, A replaced by G.
Protein change: p.Lys278Glu; replaces lysine 278 with glutamic acid.
Molecular consequence: missense variant.
Genome position (GRCh38, 1-based): chr2:230,208,057, T>C on the plus strand (A>G on the coding strand, the complement: SP110 is on the minus strand). VCF-style: chr2-230208057-T-C. GRCh37 (hg19) VCF-style: chr2-231072772-T-C.
Other names: c.850A>G, p.Lys284Glu (NM_001185015.2, NM_001378442.1, NM_001378444.1 and 2 more transcripts); c.832A>G, p.Lys278Glu (NM_001378443.1, NM_001378447.1, NM_004509.5 and 1 more transcripts); short protein forms K278E, K284E.
Identifiers: ClinVar variation 2823654 (VCV002823654.3), dbSNP rs1394123939, ClinGen allele CA350913546.
Genomic context (GRCh38, chr2:230,208,057, plus strand): 5'-GGAGGCTTTTTTTCTTATGTCTCCTTTTTGGAGTTGACCAGATACATCTTTTTCTTTTCT[T>C]TCCTAAAAAGAAAGGATAATGTTTTATAGTTACAAACATTGATCTCCCAATCTTGTATGT-3'
Protein context (NP_536349.3, residues 268-288): VSSTPSDKKG[Lys278Glu]KRKRCIWSTP

ClinVar aggregate classification (germline): Uncertain significance (1 of 4 stars; one submission).

Conditions:
Hepatic veno-occlusive disease-immunodeficiency syndrome. Also called: Hepatic Veno-Occlusive Disease with Immunodeficiency. Identifiers: Orphanet 79124, MedGen C1856128, MONDO:0009338, OMIM 235550. Disease mechanism: loss of function.

gnomAD v4.1: 1 of 1,505,846 alleles (0.000066%); highest among the groups gnomAD compares: Non-Finnish European, 0.000092%; no homozygotes.

Submission:

Labcorp Genetics (formerly Invitae), Labcorp
Classification: Uncertain significance for Hepatic veno-occlusive disease-immunodeficiency syndrome. Last evaluated: 2023-01-03. Review status: criteria provided, single submitter. Criteria: Invitae Variant Classification Sherloc (09022015). Collection method: clinical testing. Allele origin: germline.
Comment: This sequence change replaces lysine, which is basic and polar, with glutamic acid, which is acidic and polar, at codon 278 of the SP110 protein (p.Lys278Glu). This variant is not present in population databases (gnomAD no frequency). This variant has not been reported in the literature in individuals affected with SP110-related conditions. Algorithms developed to predict the effect of missense changes on protein structure and function are either unavailable or do not agree on the potential impact of this missense change (SIFT: "Deleterious"; PolyPhen-2: "Possibly Damaging"; Align-GVGD: "Class C0"). In summary, the available evidence is currently insufficient to determine the role of this variant in disease. Therefore, it has been classified as a Variant of Uncertain Significance.